The following is an entry in ClinVar:

ClinVar aggregate classification (germline): Uncertain significance (1 of 4 stars; one submission).

Submission:

GeneDx
Classification: Uncertain significance. Last evaluated: 2023-06-09. Review status: criteria provided, single submitter. Criteria: GeneDx Variant Classification Process June 2021. Collection method: clinical testing. Allele origin: germline. Affected: yes.
Comment: Not observed in large population cohorts (gnomAD); In silico analysis supports a deleterious effect on splicing; Has not been previously published as pathogenic or benign to our knowledge

NM_194277.3(FRMD7):c.975-9G>A

Gene: FRMD7 (FERM domain containing 7; minus strand). Cytogenetic location: Xq26.2.
Variant type: single nucleotide variant.
Coding change: c.975-9G>A on transcript NM_194277.3 (MANE Select); 9 bases into the intron before coding-DNA position 975, G replaced by A.
Molecular consequence: intron variant.
Genome position (GRCh38, 1-based): chrX:132,080,090, C>T on the plus strand (G>A on the coding strand, the complement: FRMD7 is on the minus strand). VCF-style: chrX-132080090-C-T. GRCh37 (hg19) VCF-style: chrX-131214118-C-T.
Other names: c.930-9G>A (NM_001306193.2).
Identifiers: ClinVar variation 1311542 (VCV001311542.4), dbSNP rs2124212153, ClinGen allele CA2573055108.